The following is an entry in ClinVar:

ClinVar aggregate classification (germline): Conflicting classifications of pathogenicity. Review status: criteria provided, conflicting classifications (1 of 4 stars). 2 submissions from 2 submitters: Likely pathogenic (1); Uncertain significance (1). Last evaluated 2023-05-05.

Conditions:
COL4A4-related disorder.

Allele frequency attached by ClinVar (database versions not stated): ExAC 0.00001.

Submissions (2):

PreventionGenetics, part of Exact Sciences
Classification: Likely pathogenic for COL4A4-related condition. Last evaluated: 2023-05-05. Review status: criteria provided, single submitter. Criteria: ACMG Guidelines, 2015. Collection method: clinical testing. Allele origin: germline.
Comment: The COL4A4 c.1831G>A variant is predicted to result in the amino acid substitution p.Gly611Ser. To our knowledge, this variant has not been reported in the literature or in a large population database, indicating this variant is rare. The p.Gly611Ser variant affects a Gly residue of the conserved triple helical domain (residues 65 – 1459) of the COL4A4 protein. The majority of pathogenic variants in COL4A4 substitute a glycine residue to a bulkier amino acid in the triple-helical domain (Hudson et al. 1993. PubMed ID: 8253711). This variant is interpreted as likely pathogenic.

Labcorp Genetics (formerly Invitae), Labcorp
Classification: Uncertain significance. Last evaluated: 2021-08-28. Review status: criteria provided, single submitter. Criteria: Invitae Variant Classification Sherloc (09022015). Collection method: clinical testing. Allele origin: germline.
Comment: This sequence change replaces glycine with serine at codon 611 of the COL4A4 protein (p.Gly611Ser). The glycine residue is weakly conserved and there is a small physicochemical difference between glycine and serine. The frequency data for this variant in the population databases is considered unreliable, as metrics indicate poor data quality at this position in the ExAC database. This variant has not been reported in the literature in individuals affected with COL4A4-related conditions. Algorithms developed to predict the effect of missense changes on protein structure and function (SIFT, PolyPhen-2, Align-GVGD) all suggest that this variant is likely to be tolerated. In summary, the available evidence is currently insufficient to determine the role of this variant in disease. Therefore, it has been classified as a Variant of Uncertain Significance.

NM_000092.5(COL4A4):c.1831G>A (p.Gly611Ser)

Gene: COL4A4 (collagen type IV alpha 4 chain; minus strand). Cytogenetic location: 2q36.3.
Variant type: single nucleotide variant.
Coding change: c.1831G>A on transcript NM_000092.5 (MANE Select); coding-DNA position 1831, G replaced by A.
Protein change: p.Gly611Ser; replaces glycine 611 with serine.
Molecular consequence: missense variant.
Genome position (GRCh38, 1-based): chr2:227,078,050, C>T on the plus strand (G>A on the coding strand, the complement: COL4A4 is on the minus strand). VCF-style: chr2-227078050-C-T. GRCh37 (hg19) VCF-style: chr2-227942766-C-T.
Other names: c.1831G>A (NM_000092.4); short protein forms G611S.
Identifiers: ClinVar variation 1045955 (VCV001045955.6), dbSNP rs758860164, ClinGen allele CA2145035.
Genomic context (GRCh38, chr2:227,078,050, plus strand): 5'-CTGGGGGCCCCACAGGTCCTGCTTTGCCTGGGGGGCCCAGAGGTCCAGGAAATCCTTTAC[C>T]ACCTGGGGTCGCATCTTCATGATCCCCCTGGGAATGTTATGTCATGAGTCAATTACCAAC-3'
Protein context (NP_000083.3, residues 601-621): PGDHEDATPG[Gly611Ser]KGFPGPLGPP